The following is an entry in ClinVar:

NM_006231.4(POLE):c.1227-18T>C

Gene: POLE (DNA polymerase epsilon, catalytic subunit; minus strand). Cytogenetic location: 12q24.33.
Variant type: single nucleotide variant.
Coding change: c.1227-18T>C on transcript NM_006231.4 (MANE Select); 18 bases into the intron before coding-DNA position 1227, T replaced by C.
Molecular consequence: intron variant.
Genome position (GRCh38, 1-based): chr12:132,673,725, A>G on the plus strand (T>C on the coding strand, the complement: POLE is on the minus strand). VCF-style: chr12-132673725-A-G. GRCh37 (hg19) VCF-style: chr12-133250311-A-G.
Identifiers: ClinVar variation 3904122 (VCV003904122.1).

ClinVar aggregate classification (germline): Likely benign (1 of 4 stars; one submission).

Conditions:
Colorectal cancer, susceptibility to, 12 (CRCS12). Also called: COLORECTAL CANCER, SUSCEPTIBILITY TO, ON CHROMOSOME 12q24. Identifiers: Orphanet 220460, MedGen C3554460, MONDO:0014038, OMIM 615083.

Submission:

Myriad Genetics, Inc.
Classification: Likely benign for Colorectal cancer, susceptibility to, 12. Last evaluated: 2025-02-10. Review status: criteria provided, single submitter. Criteria: Myriad Autosomal Dominant, Autosomal Recessive and X-Linked Classification Criteria (2023). Collection method: clinical testing. Allele origin: unknown.
Comment: This variant is considered likely benign. This variant is intronic and is not expected to impact mRNA splicing.